The following is an entry in ClinVar:

NM_012213.3(MLYCD):c.682A>T (p.Lys228Ter)

Gene: MLYCD (malonyl-CoA decarboxylase; plus strand). Cytogenetic location: 16q23.3.
Variant type: single nucleotide variant.
Coding change: c.682A>T on transcript NM_012213.3 (MANE Select); coding-DNA position 682, A replaced by T.
Protein change: p.Lys228Ter; replaces lysine 228 with a stop codon.
Molecular consequence: nonsense.
Genome position (GRCh38, 1-based): chr16:83,908,166, A>T. VCF-style: chr16-83908166-A-T. GRCh37 (hg19) VCF-style: chr16-83941771-A-T.
Other names: short protein forms K228*.
Identifiers: ClinVar variation 2827180 (VCV002827180.3), dbSNP rs2507382113, ClinGen allele CA396918862.

ClinVar aggregate classification (germline): Pathogenic (1 of 4 stars; one submission).

Conditions:
Deficiency of malonyl-CoA decarboxylase. Also called: Malonic aciduria; MCD deficiency. Identifiers: Orphanet 943, MedGen C0342793, MONDO:0009556, OMIM 248360.

Submission:

Labcorp Genetics (formerly Invitae), Labcorp
Classification: Pathogenic for Deficiency of malonyl-CoA decarboxylase. Last evaluated: 2023-01-09. Review status: criteria provided, single submitter. Criteria: Invitae Variant Classification Sherloc (09022015). Collection method: clinical testing. Allele origin: germline.
Comment: This sequence change creates a premature translational stop signal (p.Lys228*) in the MLYCD gene. It is expected to result in an absent or disrupted protein product. Loss-of-function variants in MLYCD are known to be pathogenic (PMID: 12955715, 17186413). This variant has not been reported in the literature in individuals affected with MLYCD-related conditions. This variant is not present in population databases (gnomAD no frequency). For these reasons, this variant has been classified as Pathogenic.

Literature cited by the submitters: PubMed 12955715; PubMed 17186413.